The following is an entry in ClinVar:

NM_015122.3(FCHO1):c.779G>A (p.Arg260Gln)

Gene: FCHO1 (FCH and mu domain containing endocytic adaptor 1; plus strand). Cytogenetic location: 19p13.11.
Variant type: single nucleotide variant.
Coding change: c.779G>A on transcript NM_015122.3 (MANE Select); coding-DNA position 779, G replaced by A.
Protein change: p.Arg260Gln; replaces arginine 260 with glutamine.
Molecular consequence: missense variant. On other transcripts: non-coding transcript variant (34).
Genome position (GRCh38, 1-based): chr19:17,772,730, G>A. VCF-style: chr19-17772730-G-A. GRCh37 (hg19) VCF-style: chr19-17883539-G-A.
Other names: c.779G>A (NM_001161357.1); c.779G>A, p.Arg260Gln (NM_001161357.2, NM_001161358.2, NM_001384370.1 and 26 more transcripts); c.629G>A, p.Arg210Gln (NM_001161359.2, NM_001384384.1, NM_001384385.1 and 3 more transcripts); c.740G>A, p.Arg247Gln (NM_001384388.1, NM_001384389.1, NM_001384405.1); c.704G>A, p.Arg235Gln (NM_001384390.1); short protein forms R210Q, R235Q, R247Q, R260Q.
Identifiers: ClinVar variation 2083244 (VCV002083244.5), dbSNP rs202047816, ClinGen allele CA9300207.

ClinVar aggregate classification (germline): Conflicting classifications of pathogenicity. Review status: criteria provided, conflicting classifications (1 of 4 stars). 2 submissions from 2 submitters: Uncertain significance (1); Likely benign (1). Last evaluated 2025-12-03.

Allele frequency attached by ClinVar (database versions not stated): gnomAD 0.00002; gnomAD exomes 0.00002; ExAC 0.00003; TOPMed 0.00004; 1000 Genomes Project 30x 0.00016; 1000 Genomes Project 0.00020.
gnomAD v4.1: 29 of 1,614,030 alleles (0.0018%); highest among the groups gnomAD compares: East Asian, 0.029%; no homozygotes.

Submissions (2):

Labcorp Genetics (formerly Invitae), Labcorp
Classification: Uncertain significance. Last evaluated: 2025-12-03. Review status: criteria provided, single submitter. Criteria: Invitae Variant Classification Sherloc (09022015). Collection method: clinical testing. Allele origin: germline.
Comment: This sequence change replaces arginine, which is basic and polar, with glutamine, which is neutral and polar, at codon 260 of the FCHO1 protein (p.Arg260Gln). This variant is present in population databases (rs202047816, gnomAD 0.05%). This variant has not been reported in the literature in individuals affected with FCHO1-related conditions. ClinVar contains an entry for this variant (Variation ID: 2083244). An algorithm developed to predict the effect of missense changes on protein structure and function outputs the following: PolyPhen-2: "Benign". The glutamine amino acid residue is found in multiple mammalian species, which suggests that this missense change does not adversely affect protein function. In summary, the available evidence is currently insufficient to determine the role of this variant in disease. Therefore, it has been classified as a Variant of Uncertain Significance.

Ambry Genetics
Classification: Likely benign. Last evaluated: 2025-04-29. Review status: criteria provided, single submitter. Criteria: Ambry Variant Classification Scheme 2023. Collection method: clinical testing. Allele origin: germline.